The following is an entry in ClinVar:

NM_001205293.3(CACNA1E):c.3014C>T (p.Pro1005Leu)

Gene: CACNA1E (calcium voltage-gated channel subunit alpha1 E; plus strand). Cytogenetic location: 1q25.3.
Variant type: single nucleotide variant.
Coding change: c.3014C>T on transcript NM_001205293.3 (MANE Select); coding-DNA position 3014, C replaced by T.
Protein change: p.Pro1005Leu; replaces proline 1005 with leucine.
Molecular consequence: missense variant.
Genome position (GRCh38, 1-based): chr1:181,733,502, C>T. VCF-style: chr1-181733502-C-T. GRCh37 (hg19) VCF-style: chr1-181702638-C-T.
Other names: c.3014C>T, p.Pro1005Leu (NM_000721.4); c.2957C>T, p.Pro986Leu (NM_001205294.2); short protein forms P1005L, P986L.
Identifiers: ClinVar variation 2780536 (VCV002780536.3), dbSNP rs368922708, ClinGen allele CA343620613.

ClinVar aggregate classification (germline): Uncertain significance (1 of 4 stars; one submission).

gnomAD v4.1: 1 of 1,600,994 alleles (0.000062%); highest among the groups gnomAD compares: African/African-American, 0.0013%; no homozygotes.

Submission:

Labcorp Genetics (formerly Invitae), Labcorp
Classification: Uncertain significance. Last evaluated: 2024-01-27. Review status: criteria provided, single submitter. Criteria: Invitae Variant Classification Sherloc (09022015). Collection method: clinical testing. Allele origin: germline.
Comment: This sequence change replaces proline, which is neutral and non-polar, with leucine, which is neutral and non-polar, at codon 1005 of the CACNA1E protein (p.Pro1005Leu). This variant is not present in population databases (gnomAD no frequency). This variant has not been reported in the literature in individuals affected with CACNA1E-related conditions. Advanced modeling of protein sequence and biophysical properties (such as structural, functional, and spatial information, amino acid conservation, physicochemical variation, residue mobility, and thermodynamic stability) performed at Invitae indicates that this missense variant is not expected to disrupt CACNA1E protein function with a negative predictive value of 95%. In summary, the available evidence is currently insufficient to determine the role of this variant in disease. Therefore, it has been classified as a Variant of Uncertain Significance.